The following is an entry in ClinVar:

ClinVar aggregate classification (germline): Uncertain significance (1 of 4 stars; one submission).

Conditions:
Cardiomyopathy (CMYO). Also called: Cardiomyopathies. Identifiers: Orphanet 167848, MedGen C0878544, MONDO:0004994, HP:0001638. Inheritance: Various modes of inheritance.

Submission:

Color Diagnostics, LLC DBA Color Health
Classification: Uncertain significance for Cardiomyopathy. Last evaluated: 2023-03-28. Review status: criteria provided, single submitter. Criteria: ACMG Guidelines, 2015. Collection method: clinical testing. Allele origin: germline.
Comment: This missense variant replaces histidine with arginine at codon 1185 of the MYH7 protein. Computational prediction suggests that this variant may have deleterious impact on protein structure and function (internally defined REVEL score threshold >= 0.7, PMID: 27666373). To our knowledge, functional studies have not been reported for this variant. This variant has not been reported in individuals affected with MYH7-related disorders in the literature. This variant has not been identified in the general population by the Genome Aggregation Database (gnomAD). The available evidence is insufficient to determine the role of this variant in disease conclusively. Therefore, this variant is classified as a Variant of Uncertain Significance.

NM_000257.4(MYH7):c.3554A>G (p.His1185Arg)

Gene: MYH7 (myosin heavy chain 7; minus strand). Cytogenetic location: 14q11.2.
Variant type: single nucleotide variant.
Coding change: c.3554A>G on transcript NM_000257.4 (MANE Select); coding-DNA position 3554, A replaced by G.
Protein change: p.His1185Arg; replaces histidine 1185 with arginine.
Molecular consequence: missense variant.
Genome position (GRCh38, 1-based): chr14:23,420,017, T>C on the plus strand (A>G on the coding strand, the complement: MYH7 is on the minus strand). VCF-style: chr14-23420017-T-C. GRCh37 (hg19) VCF-style: chr14-23889226-T-C.
Other names: c.3554A>G, p.His1185Arg (NM_001407004.1); short protein forms H1185R.
Identifiers: ClinVar variation 2773917 (VCV002773917.2), dbSNP rs2502264433, ClinGen allele CA389043496.
Genomic context (GRCh38, chr14:23,420,017, plus strand): 5'-TCGCCCAGCTCGGCCACGCTGTCGGCGTGCTTCTTGCGCAGGGCCGCGGCAGTGGCCTCG[T>C]GCTGCAGCGTGGCCTCCTCCAGGTCCCGCCGCATCTTCTGGAACTCGGCCTCGCGCTTCT-3'
Protein context (NP_000248.2, residues 1175-1195): RRDLEEATLQ[His1185Arg]EATAAALRKK